The following is an entry in ClinVar:

ClinVar aggregate classification (germline): Uncertain significance (1 of 4 stars; one submission).

Submission:

Labcorp Genetics (formerly Invitae), Labcorp
Classification: Uncertain significance. Last evaluated: 2026-01-02. Review status: criteria provided, single submitter. Criteria: Invitae Variant Classification Sherloc (09022015). Collection method: clinical testing. Allele origin: germline.
Comment: This sequence change replaces lysine, which is basic and polar, with arginine, which is basic and polar, at codon 402 of the MKL1 protein (p.Lys402Arg). This variant is not present in population databases (gnomAD no frequency). This variant has not been reported in the literature in individuals affected with MKL1-related conditions. An algorithm developed to predict the effect of missense changes on protein structure and function (PolyPhen-2) suggests that this variant is likely to be tolerated. In summary, the available evidence is currently insufficient to determine the role of this variant in disease. Therefore, it has been classified as a Variant of Uncertain Significance.

NM_020831.6(MRTFA):c.1505A>G (p.Lys502Arg)

Gene: MRTFA (myocardin related transcription factor A; minus strand). Cytogenetic location: 22q13.1.
Variant type: single nucleotide variant.
Coding change: c.1505A>G on transcript NM_020831.6 (MANE Select); coding-DNA position 1505, A replaced by G.
Protein change: p.Lys502Arg; replaces lysine 502 with arginine.
Molecular consequence: missense variant.
Genome position (GRCh38, 1-based): chr22:40,419,233, T>C on the plus strand (A>G on the coding strand, the complement: MRTFA is on the minus strand). VCF-style: chr22-40419233-T-C. GRCh37 (hg19) VCF-style: chr22-40815237-T-C.
Other names: c.1205A>G, p.Lys402Arg (NM_001282660.2); c.1355A>G, p.Lys452Arg (NM_001282661.3); c.1505A>G, p.Lys502Arg (NM_001282662.3); c.1310A>G, p.Lys437Arg (NM_001318139.2); short protein forms K437R, K402R, K452R, K502R.
Identifiers: ClinVar variation 4734584 (VCV004734584.1).
Genomic context (GRCh38, chr22:40,419,233, plus strand): 5'-ACCAGGGCTGGCCCCGTGCTCAGCCGGGCCGCTGGGAAGGCTACCACCACCTCGCCAGCC[T>C]TGTGCAGGATAGAGGTGGCGGCAGGGGCCTTGGGGGCTCCTGGCACAGGGCTGATTTGGT-3'
Protein context (NP_065882.2, residues 492-512): KAPAATSILH[Lys502Arg]AGEVVVAFPA